The following is an entry in ClinVar:

ClinVar aggregate classification (germline): Uncertain significance (1 of 4 stars; one submission).

Submission:

CeGaT Center for Human Genetics Tuebingen
Classification: Uncertain significance. Last evaluated: 2023-05-01. Review status: criteria provided, single submitter. Criteria: CeGaT Center For Human Genetics Tuebingen Variant Classification Criteria Version 2. Collection method: clinical testing. Allele origin: germline. Affected: yes. Observed: 1 variant allele.
Comment: MYO15A: PM2, PP3, BP5

NM_016239.4(MYO15A):c.7385C>A (p.Ala2462Asp)

Gene: MYO15A (myosin XVA; plus strand). Cytogenetic location: 17p11.2.
Variant type: single nucleotide variant.
Coding change: c.7385C>A on transcript NM_016239.4 (MANE Select); coding-DNA position 7385, C replaced by A.
Protein change: p.Ala2462Asp; replaces alanine 2462 with aspartic acid.
Molecular consequence: missense variant.
Genome position (GRCh38, 1-based): chr17:18,150,755, C>A. VCF-style: chr17-18150755-C-A. GRCh37 (hg19) VCF-style: chr17-18054069-C-A.
Other names: short protein forms A2462D.
Identifiers: ClinVar variation 2570978 (VCV002570978.27), dbSNP rs2545284533, ClinGen allele CA398618166.